The following is an entry in ClinVar:

ClinVar aggregate classification (germline): Benign/Likely benign. Review status: criteria provided, multiple submitters, no conflicts (2 of 4 stars). 4 submissions from 4 submitters: Benign (1); Likely benign (2). 1 of the submissions does not count toward it. Last evaluated 2025-11-25.

Conditions:
FAT2-related disorder. Also called: FAT2-related condition.

Allele frequency attached by ClinVar (database versions not stated): TOPMed 0.00374; 1000 Genomes Project 0.00699; 1000 Genomes Project 30x 0.00812; gnomAD exomes 0.00054 and 0.00108; ExAC 0.00131; ESP Exome Variant Server 0.00354; gnomAD 0.00357.
gnomAD v4.1: 1,357 of 1,614,106 alleles (0.084%); highest among the groups gnomAD compares: African/African-American, 1.1%; 7 homozygotes.

Submissions (4):

Labcorp Genetics (formerly Invitae), Labcorp
Classification: Benign. Last evaluated: 2025-11-25. Review status: criteria provided, single submitter. Criteria: Invitae Variant Classification Sherloc (09022015). Collection method: clinical testing. Allele origin: germline.

CeGaT Center for Human Genetics Tuebingen
Classification: Likely benign. Last evaluated: 2025-04-01. Review status: criteria provided, single submitter. Criteria: CeGaT Center For Human Genetics Tuebingen Variant Classification Criteria Version 2. Collection method: clinical testing. Allele origin: germline. Affected: yes. Observed: 1 variant allele.
Comment: FAT2: BP4, BP7, BS1

Blueprint Genetics
Classification: Likely benign. Last evaluated: 2024-10-18. Review status: criteria provided, single submitter. Criteria: ACMG Guidelines, 2015. Collection method: clinical testing. Allele origin: germline.

PreventionGenetics, part of Exact Sciences
Classification: Benign for FAT2-related condition. Last evaluated: 2019-04-10. Review status: no assertion criteria provided. Collection method: clinical testing. Allele origin: germline. Not counted in ClinVar's aggregate classification.
Comment: This variant is classified as benign based on ACMG/AMP sequence variant interpretation guidelines (Richards et al. 2015 PMID: 25741868, with internal and published modifications).

NM_001447.3(FAT2):c.9294C>T (p.Asp3098=)

Genes: FAT2 (FAT atypical cadherin 2; minus strand), SLC36A1 (solute carrier family 36 member 1; plus strand). Cytogenetic location: 5q33.1.
Variant type: single nucleotide variant.
Coding change: c.9294C>T on transcript NM_001447.3 (MANE Select); coding-DNA position 9294, C replaced by T.
Protein change: p.Asp3098=; no amino-acid change (aspartic acid 3098 retained).
Molecular consequence: synonymous variant.
Genome position (GRCh38, 1-based): chr5:151,534,542, G>A on the plus strand (C>T on the coding strand, the complement: FAT2 is on the minus strand). VCF-style: chr5-151534542-G-A. GRCh37 (hg19) VCF-style: chr5-150914103-G-A.
Identifiers: ClinVar variation 716884 (VCV000716884.22), dbSNP rs115983134, ClinGen allele CA3520595.